The following is an entry in ClinVar:

ClinVar aggregate classification (germline): Uncertain significance (1 of 4 stars; one submission).

Conditions:
Methylcobalamin deficiency type cblE (HMAE). Also called: HOMOCYSTINURIA-MEGALOBLASTIC ANEMIA, cblE COMPLEMENTATION TYPE; VITAMIN B12-RESPONSIVE HOMOCYSTINURIA, cblE TYPE; HOMOCYSTINURIA-MEGALOBLASTIC ANEMIA, cblE TYPE. Identifiers: Orphanet 2169, Orphanet 622, MedGen C1856057, MONDO:0009354, OMIM 236270.

Submission:

Labcorp Genetics (formerly Invitae), Labcorp
Classification: Uncertain significance for Methylcobalamin deficiency type cblE. Last evaluated: 2021-10-11. Review status: criteria provided, single submitter. Criteria: Invitae Variant Classification Sherloc (09022015). Collection method: clinical testing. Allele origin: germline.
Comment: Algorithms developed to predict the effect of missense changes on protein structure and function are either unavailable or do not agree on the potential impact of this missense change (SIFT: "Deleterious"; PolyPhen-2: "Probably Damaging"; Align-GVGD: "Class C0"). In summary, the available evidence is currently insufficient to determine the role of this variant in disease. Therefore, it has been classified as a Variant of Uncertain Significance. This variant has not been reported in the literature in individuals affected with MTRR-related conditions. This variant is not present in population databases (ExAC no frequency). This sequence change replaces leucine with arginine at codon 501 of the MTRR protein (p.Leu501Arg). The leucine residue is moderately conserved and there is a moderate physicochemical difference between leucine and arginine.

NM_002454.3(MTRR):c.1502T>G (p.Leu501Arg)

Gene: MTRR (5-methyltetrahydrofolate-homocysteine methyltransferase reductase; plus strand). Cytogenetic location: 5p15.31.
Variant type: single nucleotide variant.
Coding change: c.1502T>G on transcript NM_002454.3 (MANE Select); coding-DNA position 1502, T replaced by G.
Protein change: p.Leu501Arg; replaces leucine 501 with arginine.
Molecular consequence: missense variant. On other transcripts: non-coding transcript variant (14).
Genome position (GRCh38, 1-based): chr5:7,892,858, T>G. VCF-style: chr5-7892858-T-G. GRCh37 (hg19) VCF-style: chr5-7892971-T-G.
Other names: c.1502T>G, p.Leu501Arg (NM_001364442.2, NM_024010.4, NM_001364440.2 and 1 more transcripts); short protein forms L501R.
Identifiers: ClinVar variation 1500870 (VCV001500870.6), dbSNP rs2126793764, ClinGen allele CA359159050.